The following is an entry in ClinVar:

NM_025179.4(PLXNA2):c.630A>G (p.Ser210=)

Gene: PLXNA2 (plexin A2; minus strand). Cytogenetic location: 1q32.2.
Variant type: single nucleotide variant.
Coding change: c.630A>G on transcript NM_025179.4 (MANE Select); coding-DNA position 630, A replaced by G.
Protein change: p.Ser210=; no amino-acid change (serine 210 retained).
Molecular consequence: synonymous variant.
Genome position (GRCh38, 1-based): chr1:208,217,293, T>C on the plus strand (A>G on the coding strand, the complement: PLXNA2 is on the minus strand). VCF-style: chr1-208217293-T-C. GRCh37 (hg19) VCF-style: chr1-208390638-T-C.
Other names: c.630A>G (NM_025179.3).
Identifiers: ClinVar variation 1642642 (VCV001642642.10), dbSNP rs371680970, ClinGen allele CA1374045.
Genomic context (GRCh38, chr1:208,217,293, plus strand): 5'-TGAAGGGATCTTGATGAGAGAGGAGACAAAATCGCTGTGTAGCTCATAGTCGAGCATGGC[T>C]GAGGACTCAGGGTCTCGGGGCAGCTTCCGGCTGGACAGGGTCGGGAAGTAATCCTGCTTC-3'
Protein context (NP_079455.3, residues 200-220): SRKLPRDPES[Ser210=]AMLDYELHSD

ClinVar aggregate classification (germline): Likely benign. Review status: criteria provided, single submitter (1 of 4 stars). 2 submissions from 2 submitters: Likely benign (1). 1 of the submissions does not count toward it. Last evaluated 2025-06-02.

Conditions:
PLXNA2-related disorder. Also called: PLXNA2-related condition.

Allele frequency attached by ClinVar (database versions not stated): gnomAD exomes 0.00003 and 0.00007; gnomAD 0.00004 and 0.00005; TOPMed 0.00006; ExAC 0.00008; ESP Exome Variant Server 0.00008.
gnomAD v4.1: 51 of 1,613,938 alleles (0.0032%); highest among the groups gnomAD compares: Non-Finnish European, 0.0039%; no homozygotes.

Submissions (2):

Labcorp Genetics (formerly Invitae), Labcorp
Classification: Likely benign. Last evaluated: 2025-06-02. Review status: criteria provided, single submitter. Criteria: Invitae Variant Classification Sherloc (09022015). Collection method: clinical testing. Allele origin: germline.

PreventionGenetics, part of Exact Sciences
Classification: Likely benign for PLXNA2-related condition. Last evaluated: 2022-04-12. Review status: no assertion criteria provided. Collection method: clinical testing. Allele origin: germline. Not counted in ClinVar's aggregate classification.
Comment: This variant is classified as likely benign based on ACMG/AMP sequence variant interpretation guidelines (Richards et al. 2015 PMID: 25741868, with internal and published modifications).